The following is an entry in ClinVar:

ClinVar aggregate classification (germline): Likely pathogenic (1 of 4 stars; one submission).

Conditions:
Creatine transporter deficiency (CCDS1). Also called: CEREBRAL CREATINE DEFICIENCY SYNDROME 1; Creatine Transporter (CRTR) Deficiency; Mental retardation , X-linked with seizures, short stature and midface hypoplasia; Mental retardation , X-linked, with creatine transport deficiency; X-linked creatine transporter deficiency; X-linked creatine deficiency syndrome. Identifiers: Orphanet 52503, MedGen C1845862, MONDO:0010305, OMIM 300352.

Submission:

Labcorp Genetics (formerly Invitae), Labcorp
Classification: Likely pathogenic for Creatine transporter deficiency. Last evaluated: 2025-06-24. Review status: criteria provided, single submitter. Criteria: Invitae Variant Classification Sherloc (09022015). Collection method: clinical testing. Allele origin: germline.
Comment: This sequence change affects a donor splice site in intron 10 of the SLC6A8 gene. It is expected to disrupt RNA splicing. Variants that disrupt the donor or acceptor splice site typically lead to a loss of protein function (PMID: 16199547), and loss-of-function variants in SLC6A8 are known to be pathogenic (PMID: 22281021). This variant is not present in population databases (gnomAD no frequency). This variant has not been reported in the literature in individuals affected with SLC6A8-related conditions. Algorithms developed to predict the effect of sequence changes on RNA splicing suggest that this variant may disrupt the consensus splice site. In summary, the currently available evidence indicates that the variant is pathogenic, but additional data are needed to prove that conclusively. Therefore, this variant has been classified as Likely Pathogenic.

Literature cited by the submitters: PubMed 16199547; PubMed 22281021.

NM_005629.4(SLC6A8):c.1495+1G>A

Gene: SLC6A8 (solute carrier family 6 member 8; plus strand). Cytogenetic location: Xq28.
Variant type: single nucleotide variant.
Coding change: c.1495+1G>A on transcript NM_005629.4 (MANE Select); the canonical splice donor site of the intron after coding-DNA position 1495, G replaced by A.
Molecular consequence: splice donor variant.
Genome position (GRCh38, 1-based): chrX:153,694,447, G>A. VCF-style: chrX-153694447-G-A. GRCh37 (hg19) VCF-style: chrX-152959902-G-A.
Other names: c.1465+1G>A (NM_001142805.2); c.1150+1G>A (NM_001142806.1).
Identifiers: ClinVar variation 4722019 (VCV004722019.1).